The following is an entry in ClinVar:

ClinVar aggregate classification (germline): not provided (0 of 4 stars; one submission).

Conditions:
Familial long QT syndrome (RWS). Also called: Congenital long QT syndrome; Romano-Ward syndrome; VENTRICULAR FIBRILLATION WITH PROLONGED QT INTERVAL. Identifiers: Orphanet 768, MedGen C1141890, MONDO:0019171.

Submission:

Cardiovascular Biomedical Research Unit, Royal Brompton & Harefield NHS Foundation Trust
No classification provided. Condition: Familial long QT syndrome. Review status: no classification provided. Collection method: literature only. Allele origin: germline.
Comment: This variant has been reported as associated with Long QT syndrome in the following publications (PMID:16414944). This is a literature report, and does not necessarily reflect the clinical interpretation of the Imperial College / Royal Brompton Cardiovascular Genetics laboratory.

Literature cited by the submitters: PubMed 16414944; PubMed 22581653.

NM_000238.4(KCNH2):c.1863C>G (p.Ser621Arg)

Gene: KCNH2 (potassium voltage-gated channel subfamily H member 2; minus strand). Cytogenetic location: 7q36.1.
Variant type: single nucleotide variant.
Coding change: c.1863C>G on transcript NM_000238.4 (MANE Select); coding-DNA position 1863, C replaced by G.
Protein change: p.Ser621Arg; replaces serine 621 with arginine.
Molecular consequence: missense variant.
Genome position (GRCh38, 1-based): chr7:150,951,530, G>C on the plus strand (C>G on the coding strand, the complement: KCNH2 is on the minus strand). VCF-style: chr7-150951530-G-C. GRCh37 (hg19) VCF-style: chr7-150648618-G-C.
Other names: c.1863C>G (LRG_288t1); c.843C>G, p.Ser281Arg (NM_001204798.2, NM_172057.3); c.1575C>G, p.Ser525Arg (NM_001406753.1, NM_001406756.1); c.1686C>G, p.Ser562Arg (NM_001406755.1); c.1563C>G, p.Ser521Arg (NM_001406757.1); c.1863C>G, p.Ser621Arg (NM_172056.3); short protein forms S281R, S621R, S525R, S562R, S521R.
Identifiers: ClinVar variation 67300 (VCV000067300.3), dbSNP rs199472949, ClinGen allele CA005711.